The following is an entry in ClinVar:

ClinVar aggregate classification (germline): Pathogenic (1 of 4 stars; one submission).

Submission:

Labcorp Genetics (formerly Invitae), Labcorp
Classification: Pathogenic. Last evaluated: 2025-09-23. Review status: criteria provided, single submitter. Criteria: Invitae Variant Classification Sherloc (09022015). Collection method: clinical testing. Allele origin: germline.
Comment: This sequence change creates a premature translational stop signal (p.Met280Aspfs*16) in the SPTB gene. It is expected to result in an absent or disrupted protein product. Loss-of-function variants in SPTB are known to be pathogenic (PMID: 1391962, 1498324, 8844207, 26830532, 27292444). This variant is not present in population databases (gnomAD no frequency). This variant has not been reported in the literature in individuals affected with SPTB-related conditions. For these reasons, this variant has been classified as Pathogenic.

Literature cited by the submitters: PubMed 1391962; PubMed 1498324; PubMed 8844207; PubMed 26830532; PubMed 27292444.

NM_001355436.2(SPTB):c.837dup (p.Met280fs)

Gene: SPTB (spectrin beta, erythrocytic; minus strand). Cytogenetic location: 14q23.3.
Variant type: Duplication.
Coding change: c.837dup on transcript NM_001355436.2 (MANE Select); coding-DNA position 837, one base duplicated (G; older notation c.837dupG).
Protein change: p.Met280fs; shifts the reading frame from methionine 280.
Molecular consequence: frameshift variant.
Genome position (GRCh38, 1-based): chr14:64,800,795, C duplicated on the plus strand (G on the coding strand, the reverse complement: SPTB is on the minus strand). VCF-style (leftmost placement, unchanged base first): chr14-64800794-T-TC. GRCh37 (hg19) VCF-style: chr14-65267512-T-TC.
Other names: c.837dup, p.Met280fs (NM_001024858.4, NM_001355437.2); short protein forms M280fs.
Identifiers: ClinVar variation 4727783 (VCV004727783.1).